The following is an entry in ClinVar:

ClinVar aggregate classification (germline): Uncertain significance (1 of 4 stars; one submission).

Allele frequency attached by ClinVar (database versions not stated): TOPMed below 0.00001.
gnomAD v4.1: 1 of 1,614,206 alleles (0.000062%); no homozygotes.

Submission:

Labcorp Genetics (formerly Invitae), Labcorp
Classification: Uncertain significance. Last evaluated: 2022-05-15. Review status: criteria provided, single submitter. Criteria: Invitae Variant Classification Sherloc (09022015). Collection method: clinical testing. Allele origin: germline.
Comment: In summary, the available evidence is currently insufficient to determine the role of this variant in disease. Therefore, it has been classified as a Variant of Uncertain Significance. Algorithms developed to predict the effect of missense changes on protein structure and function (SIFT, PolyPhen-2, Align-GVGD) all suggest that this variant is likely to be tolerated. This variant has not been reported in the literature in individuals affected with DENND5A-related conditions. This variant is present in population databases (no rsID available, gnomAD no frequency). This sequence change replaces leucine, which is neutral and non-polar, with proline, which is neutral and non-polar, at codon 426 of the DENND5A protein (p.Leu426Pro).

NM_015213.4(DENND5A):c.1277T>C (p.Leu426Pro)

Gene: DENND5A (DENN domain containing 5A; minus strand). Cytogenetic location: 11p15.4.
Variant type: single nucleotide variant.
Coding change: c.1277T>C on transcript NM_015213.4 (MANE Select); coding-DNA position 1277, T replaced by C.
Protein change: p.Leu426Pro; replaces leucine 426 with proline.
Molecular consequence: missense variant. On other transcripts: non-coding transcript variant (1).
Genome position (GRCh38, 1-based): chr11:9,180,945, A>G on the plus strand (T>C on the coding strand, the complement: DENND5A is on the minus strand). VCF-style: chr11-9180945-A-G. GRCh37 (hg19) VCF-style: chr11-9202492-A-G.
Other names: c.1277T>C, p.Leu426Pro (NM_001243254.2, NM_001348748.1); c.1205T>C, p.Leu402Pro (NM_001348749.2); c.989T>C, p.Leu330Pro (NM_001348750.2); short protein forms L330P, L402P, L426P.
Identifiers: ClinVar variation 1939780 (VCV001939780.5), dbSNP rs1305061616, ClinGen allele CA379617169.
Genomic context (GRCh38, chr11:9,180,945, plus strand): 5'-TCCGAGACAAGCTCAGAGGCCCGCAGCCTCTTCAGCTTGGAGGCACTCTCACTGCAATGA[A>G]GATTCCCTTCAGGGGGAATTCCAAATGCCATGAGAATCTCAGAGACTTCCTGGACAAACT-3'
Protein context (NP_056028.2, residues 416-436): MAFGIPPEGN[Leu426Pro]HCSESASKLK